The following is an entry in ClinVar:

NM_031475.3(ESPN):c.2257T>C (p.Trp753Arg)

Gene: ESPN (espin; plus strand). Cytogenetic location: 1p36.31.
Variant type: single nucleotide variant.
Coding change: c.2257T>C on transcript NM_031475.3 (MANE Select); coding-DNA position 2257, T replaced by C.
Protein change: p.Trp753Arg; replaces tryptophan 753 with arginine.
Molecular consequence: missense variant.
Genome position (GRCh38, 1-based): chr1:6,452,028, T>C. VCF-style: chr1-6452028-T-C. GRCh37 (hg19) VCF-style: chr1-6512088-T-C.
Other names: c.2167T>C, p.Trp723Arg (NM_001367473.1); c.2194T>C, p.Trp732Arg (NM_001367474.1); short protein forms W753R, W723R, W732R.
Identifiers: ClinVar variation 225044 (VCV000225044.3), dbSNP rs869312937, ClinGen allele CA358084.

ClinVar aggregate classification (germline): Uncertain significance. Review status: criteria provided, multiple submitters, no conflicts (2 of 4 stars). 2 submissions from 2 submitters: Uncertain significance (2). Last evaluated 2024-11-22.

Conditions:
Inborn genetic diseases. Identifiers: MedGen C0950123, MeSH D030342.

Submissions (2):

Ambry Genetics
Classification: Uncertain significance for Inborn genetic diseases. Last evaluated: 2024-11-22. Review status: criteria provided, single submitter. Criteria: Ambry Variant Classification Scheme 2023. Collection method: clinical testing. Allele origin: germline.
Comment: The c.2257T>C (p.W753R) alteration is located in exon 10 (coding exon 10) of the ESPN gene. This alteration results from a T to C substitution at nucleotide position 2257, causing the tryptophan (W) at amino acid position 753 to be replaced by an arginine (R). This variant was not reported in population-based cohorts in the Genome Aggregation Database (gnomAD). This variant has been identified in the homozygous state in individual(s) with features consistent with ESPN-related deafness (Alkhidir, 2024). This amino acid position is highly conserved in available vertebrate species. This alteration is predicted to be deleterious by in silico analysis. Based on insufficient or conflicting evidence, the clinical significance of this alteration remains unclear.

GeneDx
Classification: Uncertain significance. Last evaluated: 2018-05-10. Review status: criteria provided, single submitter. Criteria: GeneDx Variant Classification (06012015). Collection method: clinical testing. Allele origin: germline. Affected: yes.
Comment: The W753R variant in the ESPN gene has not been reported previously as a pathogenic variant, nor as a benign variant, to our knowledge. The W753R variant is not observed in large population cohorts (Lek et al., 2016). The W753R variant is a non-conservative amino acid substitution, which is likely to impact secondary protein structure as these residues differ in polarity, charge, size and/or other properties. This substitution occurs at a position that is conserved across species. In silico analysis predicts this variant is probably damaging to the protein structure/function. We interpret W753R as a variant of uncertain significance.

Literature cited by the submitters: PubMed 38378725 (cited by Ambry Genetics).